The following is an entry in ClinVar:

NM_001171.6(ABCC6):c.2590+4C>T

Gene: ABCC6 (ATP binding cassette subfamily C member 6; minus strand). Cytogenetic location: 16p13.11.
Variant type: single nucleotide variant.
Coding change: c.2590+4C>T on transcript NM_001171.6 (MANE Select); 4 bases into the intron after coding-DNA position 2590, C replaced by T.
Molecular consequence: intron variant.
Genome position (GRCh38, 1-based): chr16:16,177,448, G>A on the plus strand (C>T on the coding strand, the complement: ABCC6 is on the minus strand). VCF-style: chr16-16177448-G-A. GRCh37 (hg19) VCF-style: chr16-16271305-G-A.
Other names: c.2248+4C>T (NM_001351800.1).
Identifiers: ClinVar variation 1993876 (VCV001993876.4), dbSNP rs1200995546, ClinGen allele CA718565397.

ClinVar aggregate classification (germline): Uncertain significance (1 of 4 stars; one submission).

Allele frequency attached by ClinVar (database versions not stated): TOPMed below 0.00001; gnomAD 0.00001.
gnomAD v4.1: 1 of 1,613,932 alleles (0.000062%); highest among the groups gnomAD compares: Non-Finnish European, 0.000085%; no homozygotes.

Submission:

Labcorp Genetics (formerly Invitae), Labcorp
Classification: Uncertain significance. Last evaluated: 2022-05-13. Review status: criteria provided, single submitter. Criteria: Invitae Variant Classification Sherloc (09022015). Collection method: clinical testing. Allele origin: germline.
Comment: This sequence change falls in intron 19 of the ABCC6 gene. It does not directly change the encoded amino acid sequence of the ABCC6 protein. It affects a nucleotide within the consensus splice site. In summary, the available evidence is currently insufficient to determine the role of this variant in disease. Therefore, it has been classified as a Variant of Uncertain Significance. Variants that disrupt the consensus splice site are a relatively common cause of aberrant splicing (PMID: 17576681, 9536098). Algorithms developed to predict the effect of sequence changes on RNA splicing suggest that this variant is not likely to affect RNA splicing. This variant has not been reported in the literature in individuals affected with ABCC6-related conditions. This variant is not present in population databases (gnomAD no frequency).

Literature cited by the submitters: PubMed 17576681; PubMed 9536098.